The following is an entry in ClinVar:

NM_000016.6(ACADM):c.706A>T (p.Lys236Ter)

Gene: ACADM (acyl-CoA dehydrogenase medium chain; plus strand). Cytogenetic location: 1p31.1.
Variant type: single nucleotide variant.
Coding change: c.706A>T on transcript NM_000016.6 (MANE Select); coding-DNA position 706, A replaced by T.
Protein change: p.Lys236Ter; replaces lysine 236 with a stop codon.
Molecular consequence: nonsense.
Genome position (GRCh38, 1-based): chr1:75,745,912, A>T. VCF-style: chr1-75745912-A-T. GRCh37 (hg19) VCF-style: chr1-76211597-A-T.
Other names: c.718A>T, p.Lys240Ter (NM_001127328.3); c.598A>T, p.Lys200Ter (NM_001286042.2); c.805A>T, p.Lys269Ter (NM_001286043.2); c.139A>T, p.Lys47Ter (NM_001286044.2); short protein forms K240*, K200*, K47*, K236*, K269*.
Identifiers: ClinVar variation 1992620 (VCV001992620.4), dbSNP rs1261358932, ClinGen allele CA340816315.

ClinVar aggregate classification (germline): Pathogenic (1 of 4 stars; one submission).

Conditions:
Medium-chain acyl-coenzyme A dehydrogenase deficiency (ACADMD). Also called: ACADM DEFICIENCY; MCAD Deficiency; MCADH DEFICIENCY; CARNITINE DEFICIENCY SECONDARY TO MEDIUM-CHAIN ACYL-CoA DEHYDROGENASE DEFICIENCY; Medium chain acyl-CoA dehydrogenase deficiency; MCADD. Identifiers: Orphanet 42, MedGen C0220710, MONDO:0008721, OMIM 201450.

Submission:

Labcorp Genetics (formerly Invitae), Labcorp
Classification: Pathogenic for Medium-chain acyl-coenzyme A dehydrogenase deficiency. Last evaluated: 2022-06-07. Review status: criteria provided, single submitter. Criteria: Invitae Variant Classification Sherloc (09022015). Collection method: clinical testing. Allele origin: germline.
Comment: This sequence change creates a premature translational stop signal (p.Lys236*) in the ACADM gene. It is expected to result in an absent or disrupted protein product. Loss-of-function variants in ACADM are known to be pathogenic (PMID: 16121256, 20434380). This variant is not present in population databases (gnomAD no frequency). This variant has not been reported in the literature in individuals affected with ACADM-related conditions. Algorithms developed to predict the effect of sequence changes on RNA splicing suggest that this variant may disrupt the consensus splice site. For these reasons, this variant has been classified as Pathogenic.

Literature cited by the submitters: PubMed 16121256; PubMed 20434380.